The following is an entry in ClinVar:

ClinVar aggregate classification (germline): Uncertain significance (1 of 4 stars; one submission).

Conditions:
Cardiovascular phenotype. Identifiers: MedGen CN230736.

Submission:

Ambry Genetics
Classification: Uncertain significance for Cardiovascular phenotype. Last evaluated: 2025-10-12. Review status: criteria provided, single submitter. Criteria: Ambry Variant Classification Scheme 2023. Collection method: clinical testing. Allele origin: germline.
Comment: The p.A29P variant (also known as c.85G>C), located in coding exon 1 of the RIT1 gene, results from a G to C substitution at nucleotide position 85. The alanine at codon 29 is replaced by proline, an amino acid with highly similar properties. This amino acid position is conserved. In addition, this alteration is predicted to be tolerated by in silico analysis. Based on the available evidence, the clinical significance of this variant remains unclear.

NM_006912.6(RIT1):c.85G>C (p.Ala29Pro)

Gene: RIT1 (Ras like without CAAX 1; minus strand). Cytogenetic location: 1q22.
Variant type: single nucleotide variant.
Coding change: c.85G>C on transcript NM_006912.6 (MANE Select); coding-DNA position 85, G replaced by C.
Protein change: p.Ala29Pro; replaces alanine 29 with proline.
Molecular consequence: missense variant. On other transcripts: intron variant (1).
Genome position (GRCh38, 1-based): chr1:155,910,677, C>G on the plus strand (G>C on the coding strand, the complement: RIT1 is on the minus strand). VCF-style: chr1-155910677-C-G. GRCh37 (hg19) VCF-style: chr1-155880468-C-G.
Other names: c.136G>C, p.Ala46Pro (NM_001256821.2); c.-2-171G>C (NM_001256820.2); short protein forms A46P, A29P.
Identifiers: ClinVar variation 4614838 (VCV004614838.1).
Genomic context (GRCh38, chr1:155,910,677, plus strand): 5'-TTCATCCATGCTTCCTGTCAAATGGAAAATGTTACCTACCACTCTTCCCTACACCACCAG[C>G]ACCCAGCATCACTAGTTTGTACTCCCGTGAGAGCCCAGCGGGGCTGCTACAGCAGCTACC-3'
Protein context (NP_008843.1, residues 19-39): SREYKLVMLG[Ala29Pro]GGVGKSAMTM